The following is an entry in ClinVar:

NM_001318852.2(MAPK8IP3):c.1396G>A (p.Ala466Thr)

Gene: MAPK8IP3 (mitogen-activated protein kinase 8 interacting protein 3; plus strand). Cytogenetic location: 16p13.3.
Variant type: single nucleotide variant.
Coding change: c.1396G>A on transcript NM_001318852.2 (MANE Select); coding-DNA position 1396, G replaced by A.
Protein change: p.Ala466Thr; replaces alanine 466 with threonine.
Molecular consequence: missense variant.
Genome position (GRCh38, 1-based): chr16:1,760,471, G>A. VCF-style: chr16-1760471-G-A. GRCh37 (hg19) VCF-style: chr16-1810472-G-A.
Other names: c.1375G>A, p.Ala459Thr (NM_001040439.2); c.1393G>A, p.Ala465Thr (NM_015133.5); short protein forms A459T, A465T, A466T.
Identifiers: ClinVar variation 3368699 (VCV003368699.1).

ClinVar aggregate classification (germline): Uncertain significance (1 of 4 stars; one submission).

Submission:

GeneDx
Classification: Uncertain significance. Last evaluated: 2024-02-04. Review status: criteria provided, single submitter. Criteria: GeneDx Variant Classification Process June 2021. Collection method: clinical testing. Allele origin: germline. Affected: yes.
Comment: Not observed at significant frequency in large population cohorts (gnomAD); In silico analysis supports that this missense variant does not alter protein structure/function; Has not been previously published as pathogenic or benign to our knowledge